The following is an entry in ClinVar:

NM_014476.6(PDLIM3):c.875C>T (p.Pro292Leu)

Gene: PDLIM3 (PDZ and LIM domain 3; minus strand). Cytogenetic location: 4q35.1.
Variant type: single nucleotide variant.
Coding change: c.875C>T on transcript NM_014476.6 (MANE Select); coding-DNA position 875, C replaced by T.
Protein change: p.Pro292Leu; replaces proline 292 with leucine.
Molecular consequence: missense variant. On other transcripts: non-coding transcript variant (1).
Genome position (GRCh38, 1-based): chr4:185,504,505, G>A on the plus strand (C>T on the coding strand, the complement: PDLIM3 is on the minus strand). VCF-style: chr4-185504505-G-A. GRCh37 (hg19) VCF-style: chr4-186425659-G-A.
Other names: c.731C>T, p.Pro244Leu (NM_001114107.5); c.611C>T, p.Pro204Leu (NM_001257962.2); c.374C>T, p.Pro125Leu (NM_001257963.2); c.875C>T (NM_014476.4); short protein forms P292L, P125L, P204L, P244L.
Identifiers: ClinVar variation 2190387 (VCV002190387.5), dbSNP rs200921332, ClinGen allele CA3159660.
Genomic context (GRCh38, chr4:185,504,505, plus strand): 5'-GTAAATTCCAGGGTTAAAAGTGAAACTTACACTATGCCACTCCCACATTTGTCACAGAGC[G>A]GCATCCTCTGTGCCCCGCCTGAACCGCCATGGACTTTCGTCACCGGAGCTCTCACACTCC-3'
Protein context (NP_055291.2, residues 282-302): HGGSGGAQRM[Pro292Leu]LCDKCGSGIV

ClinVar aggregate classification (germline): Uncertain significance. Review status: criteria provided, multiple submitters, no conflicts (2 of 4 stars). 2 submissions from 2 submitters: Uncertain significance (2). Last evaluated 2026-01-22.

Conditions:
Primary dilated cardiomyopathy (DCM). Also called: Dilated Cardiomyopathy. Identifiers: Orphanet 217604, MedGen C0007193, MeSH D002311, MONDO:0005021, HP:0001644. Inheritance: Various modes of inheritance.
Hypertrophic cardiomyopathy. Also called: HYPERTROPHIC MYOCARDIOPATHY. Identifiers: Orphanet 217569, MedGen C0007194, MeSH D002312, MONDO:0005045, HP:0001639.

Allele frequency attached by ClinVar (database versions not stated): 1000 Genomes Project 30x 0.00016; ExAC 0.00003; 1000 Genomes Project 0.00020.
gnomAD v4.1: 16 of 1,613,840 alleles (0.00099%); highest among the groups gnomAD compares: East Asian, 0.011%; no homozygotes.

Submissions (2):

Labcorp Genetics (formerly Invitae), Labcorp
Classification: Uncertain significance for Hypertrophic cardiomyopathy; Primary dilated cardiomyopathy. Last evaluated: 2026-01-22. Review status: criteria provided, single submitter. Criteria: Invitae Variant Classification Sherloc (09022015). Collection method: clinical testing. Allele origin: germline.
Comment: This sequence change replaces proline, which is neutral and non-polar, with leucine, which is neutral and non-polar, at codon 292 of the PDLIM3 protein (p.Pro292Leu). This variant is present in population databases (rs200921332, gnomAD 0.02%). This variant has not been reported in the literature in individuals affected with PDLIM3-related conditions. ClinVar contains an entry for this variant (Variation ID: 2190387). Invitae Evidence Modeling of protein sequence and biophysical properties (such as structural, functional, and spatial information, amino acid conservation, physicochemical variation, residue mobility, and thermodynamic stability) has been performed for this missense variant. However, the output from this modeling did not meet the statistical confidence thresholds required to predict the impact of this variant on PDLIM3 protein function. In summary, the available evidence is currently insufficient to determine the role of this variant in disease. Therefore, it has been classified as a Variant of Uncertain Significance.

Ambry Genetics
Classification: Uncertain significance. Last evaluated: 2023-10-15. Review status: criteria provided, single submitter. Criteria: Ambry Variant Classification Scheme 2023. Collection method: clinical testing. Allele origin: germline.
Comment: The p.P292L variant (also known as c.875C>T), located in coding exon 7 of the PDLIM3 gene, results from a C to T substitution at nucleotide position 875. The proline at codon 292 is replaced by leucine, an amino acid with similar properties. This amino acid position is conserved. In addition, the in silico prediction for this alteration is inconclusive. Since supporting evidence is limited at this time, the clinical significance of this alteration remains unclear.